The following is an entry in ClinVar:

ClinVar aggregate classification (germline): Uncertain significance (1 of 4 stars; one submission).

Allele frequency attached by ClinVar (database versions not stated): ExAC 0.00001; gnomAD exomes 0.00001 and 0.00002; gnomAD 0.00003 and 0.00004; TOPMed 0.00003.
gnomAD v4.1: 20 of 1,613,942 alleles (0.0012%); highest among the groups gnomAD compares: Admixed American, 0.0083%; no homozygotes.

Submission:

Labcorp Genetics (formerly Invitae), Labcorp
Classification: Uncertain significance. Last evaluated: 2021-12-24. Review status: criteria provided, single submitter. Criteria: Invitae Variant Classification Sherloc (09022015). Collection method: clinical testing. Allele origin: germline.
Comment: This sequence change creates a premature translational stop signal (p.Glu1374*) in the TRPM1 gene. While this is not anticipated to result in nonsense mediated decay, it is expected to disrupt the last 230 amino acid(s) of the TRPM1 protein. This variant is present in population databases (rs769373152, gnomAD 0.006%). This variant has not been reported in the literature in individuals affected with TRPM1-related conditions. Experimental studies and prediction algorithms are not available or were not evaluated, and the functional significance of this variant is currently unknown. In summary, the available evidence is currently insufficient to determine the role of this variant in disease. Therefore, it has been classified as a Variant of Uncertain Significance.

NM_001252024.2(TRPM1):c.4186G>T (p.Glu1396Ter)

Gene: TRPM1 (transient receptor potential cation channel subfamily M member 1; minus strand). Cytogenetic location: 15q13.3.
Variant type: single nucleotide variant.
Coding change: c.4186G>T on transcript NM_001252024.2 (MANE Select); coding-DNA position 4186, G replaced by T.
Protein change: p.Glu1396Ter; replaces glutamic acid 1396 with a stop codon.
Molecular consequence: nonsense.
Genome position (GRCh38, 1-based): chr15:31,002,514, C>A on the plus strand (G>T on the coding strand, the complement: TRPM1 is on the minus strand). VCF-style: chr15-31002514-C-A. GRCh37 (hg19) VCF-style: chr15-31294717-C-A.
Other names: c.4237G>T, p.Glu1413Ter (NM_001252020.2); c.4120G>T, p.Glu1374Ter (NM_002420.6); short protein forms E1374*, E1413*, E1396*.
Identifiers: ClinVar variation 1471870 (VCV001471870.3), dbSNP rs769373152, ClinGen allele CA7451689.